The following is an entry in ClinVar:

ClinVar aggregate classification (germline): Uncertain significance. Review status: criteria provided, multiple submitters, no conflicts (2 of 4 stars). 3 submissions from 3 submitters: Uncertain significance (3). Last evaluated 2024-12-04.

Conditions:
Alagille syndrome due to a JAG1 point mutation. Also called: JAG1-Related Alagille Syndrome; Alagille Syndrome 1; HEPATIC DUCTULAR HYPOPLASIA, SYNDROMATIC. Identifiers: Orphanet 261619, Orphanet 52, MedGen C1956125, MONDO:0016862, OMIM 118450.
Charcot-Marie-Tooth disease, axonal, Type 2HH. Also called: CHARCOT-MARIE-TOOTH NEUROPATHY, TYPE 2HH. Identifiers: MedGen C5562003, MONDO:0030458, OMIM 619574.
Tetralogy of Fallot (TOF). Identifiers: Orphanet 3303, MedGen C0039685, MONDO:0008542, OMIM 187500, HP:0001636.
Deafness, congenital heart defects, and posterior embryotoxon (DCHE). Identifiers: MedGen C1866053, MONDO:0060713, OMIM 617992.

Allele frequency attached by ClinVar (database versions not stated): gnomAD exomes below 0.00001; ExAC 0.00001.
gnomAD v4.1: 5 of 1,614,130 alleles (0.00031%); highest among the groups gnomAD compares: South Asian, 0.0022%; no homozygotes.

Submissions (3):

GeneDx
Classification: Uncertain significance. Last evaluated: 2024-12-04. Review status: criteria provided, single submitter. Criteria: GeneDx Variant Classification Process June 2021. Collection method: clinical testing. Allele origin: germline. Affected: yes.
Comment: Not observed at significant frequency in large population cohorts (gnomAD); In silico analysis supports that this missense variant has a deleterious effect on protein structure/function; Has not been previously published as pathogenic or benign to our knowledge

Labcorp Genetics (formerly Invitae), Labcorp
Classification: Uncertain significance for Alagille syndrome due to a JAG1 point mutation. Last evaluated: 2024-07-08. Review status: criteria provided, single submitter. Criteria: Invitae Variant Classification Sherloc (09022015). Collection method: clinical testing. Allele origin: germline.
Comment: This sequence change replaces glutamic acid, which is acidic and polar, with lysine, which is basic and polar, at codon 553 of the JAG1 protein (p.Glu553Lys). This variant is present in population databases (rs759763539, gnomAD 0.003%). This variant has not been reported in the literature in individuals affected with JAG1-related conditions. Advanced modeling of protein sequence and biophysical properties (such as structural, functional, and spatial information, amino acid conservation, physicochemical variation, residue mobility, and thermodynamic stability) performed at Invitae indicates that this missense variant is not expected to disrupt JAG1 protein function with a negative predictive value of 80%. In summary, the available evidence is currently insufficient to determine the role of this variant in disease. Therefore, it has been classified as a Variant of Uncertain Significance.

Fulgent Genetics
Classification: Uncertain significance for Alagille syndrome due to a JAG1 point mutation; Tetralogy of Fallot; Deafness, congenital heart defects, and posterior embryotoxon; Charcot-Marie-Tooth disease, axonal, Type 2HH. Last evaluated: 2024-02-28. Review status: criteria provided, single submitter. Criteria: ACMG Guidelines, 2015. Collection method: clinical testing. Allele origin: germline.

NM_000214.3(JAG1):c.1657G>A (p.Glu553Lys)

Gene: JAG1 (jagged canonical Notch ligand 1; minus strand). Cytogenetic location: 20p12.2.
Variant type: single nucleotide variant.
Coding change: c.1657G>A on transcript NM_000214.3 (MANE Select); coding-DNA position 1657, G replaced by A.
Protein change: p.Glu553Lys; replaces glutamic acid 553 with lysine.
Molecular consequence: missense variant.
Genome position (GRCh38, 1-based): chr20:10,648,023, C>T on the plus strand (G>A on the coding strand, the complement: JAG1 is on the minus strand). VCF-style: chr20-10648023-C-T. GRCh37 (hg19) VCF-style: chr20-10628671-C-T.
Other names: c.1657G>A (NM_000214.2); short protein forms E553K.
Identifiers: ClinVar variation 2705387 (VCV002705387.5), dbSNP rs759763539, ClinGen allele CA9764797.